The following is an entry in ClinVar:

NM_000202.8(IDS):c.664G>T (p.Ala222Ser)

Genes: IDS (iduronate 2-sulfatase; minus strand), LOC106050102 (IDS recombination region; plus strand). Cytogenetic location: Xq28.
Variant type: single nucleotide variant.
Coding change: c.664G>T on transcript NM_000202.8 (MANE Select); coding-DNA position 664, G replaced by T.
Protein change: p.Ala222Ser; replaces alanine 222 with serine.
Molecular consequence: missense variant. On other transcripts: non-coding transcript variant (1).
Genome position (GRCh38, 1-based): chrX:149,498,151, C>A on the plus strand (G>T on the coding strand, the complement: IDS is on the minus strand). VCF-style: chrX-149498151-C-A. GRCh37 (hg19) VCF-style: chrX-148579682-C-A.
Other names: c.394G>T, p.Ala132Ser (NM_001166550.4); c.664G>T, p.Ala222Ser (NM_006123.5); short protein forms A132S, A222S.
Identifiers: ClinVar variation 1709228 (VCV001709228.2), dbSNP rs2520862911, ClinGen allele CA414522222.

ClinVar aggregate classification (germline): Uncertain significance (1 of 4 stars; one submission).

Conditions:
Mucopolysaccharidosis, MPS-II (MPS2). Also called: IDS deficiency; Sulfoiduronate sulfatase deficiency; SIDS deficiency; Attenuated MPS (subtype; formerly known as mild MPS II); Severe MPS II; I2S deficiency. Identifiers: Orphanet 580, Orphanet 79388, MedGen C0026705, MONDO:0010674, OMIM 309900.

Submission:

MGZ Medical Genetics Center
Classification: Uncertain significance for Mucopolysaccharidosis, MPS-II. Last evaluated: 2022-08-16. Review status: criteria provided, single submitter. Criteria: ACMG Guidelines, 2015. Collection method: clinical testing. Allele origin: germline. Affected: yes. Observed: 1 variant allele.
Comment: ACMG criteria applied: PP3_MOD, PM2_SUP, PP2